The following is an entry in ClinVar:

ClinVar aggregate classification (germline): Benign/Likely benign. Review status: criteria provided, multiple submitters, no conflicts (2 of 4 stars). 4 submissions from 4 submitters: Benign (1); Likely benign (3). Last evaluated 2026-01-26.

Conditions:
Immunodeficiency 35 (IMD35). Also called: HIES WITH ATYPICAL MYCOBACTERIOSIS, AUTOSOMAL RECESSIVE; TYK2 DEFICIENCY; Susceptibility to infection due to TYK2 deficiency; HYPER-IgE SYNDROME WITH ATYPICAL MYCOBACTERIOSIS, AUTOSOMAL RECESSIVE. Identifiers: Orphanet 331226, MedGen C1969086, MONDO:0012682, OMIM 611521.

Allele frequency attached by ClinVar (database versions not stated): gnomAD exomes 0.00023 and 0.00044; ExAC 0.00101; gnomAD 0.00240 and 0.00261; ESP Exome Variant Server 0.00245; 1000 Genomes Project 0.00260; TOPMed 0.00289; 1000 Genomes Project 30x 0.00312.
gnomAD v4.1: 696 of 1,549,536 alleles (0.045%); highest among the groups gnomAD compares: African/African-American, 0.88%; 4 homozygotes.

Submissions (4):

Labcorp Genetics (formerly Invitae), Labcorp
Classification: Benign for Immunodeficiency 35. Last evaluated: 2026-01-26. Review status: criteria provided, single submitter. Criteria: Invitae Variant Classification Sherloc (09022015). Collection method: clinical testing. Allele origin: germline.

Blueprint Genetics
Classification: Likely benign. Last evaluated: 2024-04-11. Review status: criteria provided, single submitter. Criteria: ACMG Guidelines, 2015. Collection method: clinical testing. Allele origin: germline.

Illumina Laboratory Services, Illumina
Classification: Likely benign for Immunodeficiency 35. Last evaluated: 2018-01-13. Review status: criteria provided, single submitter. Criteria: ICSL Variant Classification Criteria 13 December 2019. Collection method: clinical testing. Allele origin: germline.
Comment: This variant was observed in the ICSL laboratory as part of a predisposition screen in an ostensibly healthy population. It had not been previously curated by ICSL or reported in the Human Gene Mutation Database (HGMD: prior to June 1st, 2018), and was therefore a candidate for classification through an automated scoring system. Utilizing variant allele frequency, disease prevalence and penetrance estimates, and inheritance mode, an automated score was calculated to assess if this variant is too frequent to cause the disease. Based on the score and internal cut-off values, a variant classified as likely benign is not then subjected to further curation. The score for this variant resulted in a classification of likely benign for this disease.

GeneDx
Classification: Likely benign. Last evaluated: 2017-01-30. Review status: criteria provided, single submitter. Criteria: GeneDx Variant Classification (06012015). Collection method: clinical testing. Allele origin: germline. Affected: yes.
Comment: This variant is considered likely benign or benign based on one or more of the following criteria: it is a conservative change, it occurs at a poorly conserved position in the protein, it is predicted to be benign by multiple in silico algorithms, and/or has population frequency not consistent with disease.

NM_003331.5(TYK2):c.1960-15G>A

Gene: TYK2 (tyrosine kinase 2; minus strand). Cytogenetic location: 19p13.2.
Variant type: single nucleotide variant.
Coding change: c.1960-15G>A on transcript NM_003331.5 (MANE Select); 15 bases into the intron before coding-DNA position 1960, G replaced by A.
Molecular consequence: intron variant.
Genome position (GRCh38, 1-based): chr19:10,361,613, C>T on the plus strand (G>A on the coding strand, the complement: TYK2 is on the minus strand). VCF-style: chr19-10361613-C-T. GRCh37 (hg19) VCF-style: chr19-10472289-C-T.
Other names: c.1960-15G>A (LRG_121t1).
Identifiers: ClinVar variation 378839 (VCV000378839.13), dbSNP rs12720277, ClinGen allele CA9193227.